The following is an entry in ClinVar:

NM_000642.3(AGL):c.2681+1G>T

Gene: AGL (amylo-alpha-1,6-glucosidase and 4-alpha-glucanotransferase; plus strand). Cytogenetic location: 1p21.2.
Variant type: single nucleotide variant.
Coding change: c.2681+1G>T on transcript NM_000642.3 (MANE Select); the canonical splice donor site of the intron after coding-DNA position 2681, G replaced by T.
Molecular consequence: splice donor variant. On other transcripts: intron variant (1).
Genome position (GRCh38, 1-based): chr1:99,884,704, G>T. VCF-style: chr1-99884704-G-T. GRCh37 (hg19) VCF-style: chr1-100350260-G-T.
Other names: c.2633+1G>T (NM_000646.3); c.2681+1G>T (NM_001425326.1, NM_000643.3, NM_000644.3 and 2 more transcripts); c.2480+1G>T (NM_001425327.1); c.2477+1G>T (NM_001425328.1); c.2342+253G>T (NM_001425329.1); c.2303+1G>T (NM_001425332.1).
Identifiers: ClinVar variation 371344 (VCV000371344.16), dbSNP rs201201443, ClinGen allele CA966853.
Genomic context (GRCh38, chr1:99,884,704, plus strand): 5'-TAAATCTGGCAGCCTAGCTGTTGACAATGCAGATCCTATATTAAAAATTCCTTTTGCTTC[G>T]TAAGTATGCCTTGTTTGGTAGAGATTTGCCACCTTAATAAGTAAGTTACCACTAGACTGA-3'

ClinVar aggregate classification (germline): Pathogenic/Likely pathogenic. Review status: criteria provided, multiple submitters, no conflicts (2 of 4 stars). 7 submissions from 7 submitters: Pathogenic (5); Likely pathogenic (1). 1 of the submissions does not count toward it. Last evaluated 2025-08-30.

Conditions:
Inborn genetic diseases. Identifiers: MedGen C0950123, MeSH D030342.
Glycogen storage disease type III (GSD3). Also called: Cori disease; FORBES DISEASE. Identifiers: Orphanet 366, MedGen C0017922, MONDO:0009291, OMIM 232400.

Allele frequency attached by ClinVar (database versions not stated): TOPMed 0.00005.
gnomAD v4.1: 4 of 1,613,588 alleles (0.00025%); highest among the groups gnomAD compares: Admixed American, 0.0067%; no homozygotes.

Submissions (7):

Labcorp Genetics (formerly Invitae), Labcorp
Classification: Pathogenic for Glycogen storage disease type III. Last evaluated: 2025-08-30. Review status: criteria provided, single submitter. Criteria: Invitae Variant Classification Sherloc (09022015). Collection method: clinical testing. Allele origin: germline.
Comment: This sequence change affects a donor splice site in intron 20 of the AGL gene. RNA analysis indicates that disruption of this splice site induces altered splicing and likely results in a shortened protein product. This variant is present in population databases (rs201201443, gnomAD 0.006%). Disruption of this splice site has been observed in individual(s) with glycogen storage disease type III (PMID: 10472540, 31028654). In at least one individual the data is consistent with being in trans (on the opposite chromosome) from a pathogenic variant. ClinVar contains an entry for this variant (Variation ID: 371344). Studies have shown that disruption of this splice site results in skipping of exon 21, but is expected to preserve the integrity of the reading-frame (PMID: 10472540, 31028654). For these reasons, this variant has been classified as Pathogenic.

Ambry Genetics
Classification: Likely pathogenic for Inborn genetic diseases. Last evaluated: 2024-01-24. Review status: criteria provided, single submitter. Criteria: Ambry Variant Classification Scheme 2023. Collection method: clinical testing. Allele origin: germline.
Comment: The c.2681+1G>T intronic variant results from a G to T substitution one nucleotide after exon 20 (coding exon 19) of the AGL gene. Alterations that disrupt the canonical splice site are expected to result in aberrant splicing. The resulting transcript is predicted to be in-frame and is not expected to trigger nonsense-mediated mRNAdecay; however, direct evidence is unavailable. The exact functional effect of the altered amino acid sequence is unknown. Based on data from gnomAD, the T allele has an overall frequency of 0.001% (2/250950) total alleles studied. The highest observed frequency was 0.006% (2/34522) of Latino alleles. This mutation was identified in the homozygous state in several individuals with diagnosis of glycogen storage disease III (Hijazi, 2021; Kumar, 2022). In silico splice site analysis predicts that this alteration will weaken the native splice donor site and may result in the creation or strengthening of a novel splice donor site. Based on the available evidence, this alteration is classified as likely pathogenic.

Baylor Genetics
Classification: Pathogenic for Glycogen storage disease type III. Last evaluated: 2023-09-07. Review status: criteria provided, single submitter. Criteria: ACMG Guidelines, 2015. Collection method: clinical testing. Allele origin: unknown.

Women's Health and Genetics/Laboratory Corporation of America, LabCorp
Classification: Pathogenic for Glycogen storage disease type III. Last evaluated: 2022-02-08. Review status: criteria provided, single submitter. Criteria: LabCorp Variant Classification Summary - May 2015. Collection method: clinical testing. Allele origin: germline.
Comment: Variant summary: AGL c.2681+1G>T is located in a canonical splice-site and is predicted to affect mRNA splicing resulting in a significantly altered protein due to either exon skipping, shortening, or inclusion of intronic material. Several computational tools predict a significant impact on normal splicing: Four predict the variant abolishes a 5' splicing donor site. However, these predictions have yet to be confirmed by functional studies. The variant allele was found at a frequency of 8e-06 in 250950 control chromosomes. c.2681+1G>T has been reported in the literature in the homozygous state in siblings affected with Glycogen Storage Disease Type III (Goldstein_2010, Hijazi_2021, Paschall_2021). These data indicate that the variant is likely to be associated with disease. To our knowledge, no experimental evidence demonstrating an impact on protein function has been reported. Four clinical diagnostic laboratories have submitted clinical-significance assessments for this variant to ClinVar after 2014 without evidence for independent evaluation. All laboratories classified the variant as pathogenic. Based on the evidence outlined above, the variant was classified as pathogenic.

Genome-Nilou Lab
Classification: Pathogenic for Glycogen storage disease type III. Last evaluated: 2021-07-15. Review status: criteria provided, single submitter. Criteria: ACMG Guidelines, 2015. Collection method: clinical testing. Allele origin: germline. Affected: no.

Centre for Human Genetics
Classification: Pathogenic for Glycogen storage disease type III. Last evaluated: 2020-06-15. Review status: criteria provided, single submitter. Criteria: ACMG Guidelines, 2015. Collection method: clinical testing. Allele origin: inherited. Inheritance: Autosomal recessive inheritance. Affected: yes. Observed: 1 variant allele.
Comment: disease causing

Counsyl
Classification: Pathogenic for Glycogen storage disease type III. Last evaluated: 2016-08-31. Review status: no assertion criteria provided. Collection method: clinical testing. Allele origin: unknown. Not counted in ClinVar's aggregate classification.

Literature cited by the submitters: PubMed 10472540 (cited by Labcorp Genetics (formerly Invitae), Labcorp); PubMed 31028654 (cited by Labcorp Genetics (formerly Invitae), Labcorp); PubMed 34820282 (cited by Ambry Genetics and Women's Health and Genetics/Laboratory Corporation of America, LabCorp); PubMed 35834487 (cited by Ambry Genetics); PubMed 20648714 (cited by Women's Health and Genetics/Laboratory Corporation of America, LabCorp and Counsyl); PubMed 34649782 (cited by Women's Health and Genetics/Laboratory Corporation of America, LabCorp).